The following is an entry in ClinVar:

NM_147127.5(EVC2):c.817-2A>G

Gene: EVC2 (EvC ciliary complex subunit 2; minus strand). Cytogenetic location: 4p16.2.
Variant type: single nucleotide variant.
Coding change: c.817-2A>G on transcript NM_147127.5 (MANE Select); the canonical splice acceptor site of the intron before coding-DNA position 817, A replaced by G.
Molecular consequence: splice acceptor variant.
Genome position (GRCh38, 1-based): chr4:5,681,315, T>C on the plus strand (A>G on the coding strand, the complement: EVC2 is on the minus strand). VCF-style: chr4-5681315-T-C. GRCh37 (hg19) VCF-style: chr4-5683042-T-C.
Other names: c.577-2A>G (NM_001166136.2).
Identifiers: ClinVar variation 556018 (VCV000556018.4), dbSNP rs1553849894, ClinGen allele CA356145830.

ClinVar aggregate classification (germline): Likely pathogenic. Review status: criteria provided, multiple submitters, no conflicts (2 of 4 stars). 3 submissions from 3 submitters: Likely pathogenic (2). 1 of the submissions does not count toward it. Last evaluated 2025-11-19.

Conditions:
Curry-Hall syndrome (WAD). Also called: WEYERS ACRODENTAL DYSOSTOSIS. Identifiers: Orphanet 952, MedGen C0457013, MONDO:0008673, OMIM 193530.
Ellis-van Creveld syndrome (EVC). Also called: EVC2-Related Ellis-van Creveld Syndrome; EVC-Related Ellis-van Creveld Syndrome; MESOECTODERMAL DYSPLASIA; Chondroectodermal dysplasia. Identifiers: Orphanet 289, MedGen C0013903, MONDO:0009162, OMIM 225500.

Allele frequency attached by ClinVar (database versions not stated): gnomAD exomes below 0.00001.
gnomAD v4.1: 1 of 1,614,232 alleles (0.000062%); highest among the groups gnomAD compares: Non-Finnish European, 0.000085%; no homozygotes.

Submissions (3):

Labcorp Genetics (formerly Invitae), Labcorp
Classification: Likely pathogenic for Curry-Hall syndrome; Ellis-van Creveld syndrome. Last evaluated: 2025-11-19. Review status: criteria provided, single submitter. Criteria: Invitae Variant Classification Sherloc (09022015). Collection method: clinical testing. Allele origin: germline.
Comment: This sequence change affects an acceptor splice site in intron 6 of the EVC2 gene. It is expected to disrupt RNA splicing. Variants that disrupt the donor or acceptor splice site typically lead to a loss of protein function (PMID: 16199547), and loss-of-function variants in EVC2 are known to be pathogenic (PMID: 17024374, 19810119, 19876929). This variant is not present in population databases (gnomAD no frequency). This variant has not been reported in the literature in individuals affected with EVC2-related conditions. ClinVar contains an entry for this variant (Variation ID: 556018). Algorithms developed to predict the effect of sequence changes on RNA splicing suggest that this variant may disrupt the consensus splice site. In summary, the currently available evidence indicates that the variant is pathogenic, but additional data are needed to prove that conclusively. Therefore, this variant has been classified as Likely Pathogenic.

Fulgent Genetics
Classification: Likely pathogenic for Curry-Hall syndrome; Ellis-van Creveld syndrome. Last evaluated: 2024-05-14. Review status: criteria provided, single submitter. Criteria: ACMG Guidelines, 2015. Collection method: clinical testing. Allele origin: germline.

Counsyl
Classification: Likely pathogenic for Ellis-van Creveld syndrome. Last evaluated: 2018-01-08. Review status: no assertion criteria provided. Collection method: clinical testing. Allele origin: unknown. Not counted in ClinVar's aggregate classification.

Literature cited by the submitters: PubMed 16199547 (cited by Labcorp Genetics (formerly Invitae), Labcorp); PubMed 17024374 (cited by Labcorp Genetics (formerly Invitae), Labcorp); PubMed 19810119 (cited by Labcorp Genetics (formerly Invitae), Labcorp); PubMed 19876929 (cited by Labcorp Genetics (formerly Invitae), Labcorp).